The following is an entry in ClinVar:

NM_024589.3(ROGDI):c.234G>T (p.Gln78His)

Gene: ROGDI (rogdi atypical leucine zipper; minus strand). Cytogenetic location: 16p13.3.
Variant type: single nucleotide variant.
Coding change: c.234G>T on transcript NM_024589.3 (MANE Select); coding-DNA position 234, G replaced by T.
Protein change: p.Gln78His; replaces glutamine 78 with histidine.
Molecular consequence: missense variant.
Genome position (GRCh38, 1-based): chr16:4,801,288, C>A on the plus strand (G>T on the coding strand, the complement: ROGDI is on the minus strand). VCF-style: chr16-4801288-C-A. GRCh37 (hg19) VCF-style: chr16-4851289-C-A.
Other names: short protein forms Q78H.
Identifiers: ClinVar variation 1480953 (VCV001480953.6), dbSNP rs767642673, ClinGen allele CA394654908.
Genomic context (GRCh38, chr16:4,801,288, plus strand): 5'-CATTGGCAGGATGGGAGGGGACAGGGCCGGGGGACTCACCGCCTGGCTGAGGGCATCCCC[C>A]TGCAGAGTCAGCACACCCTTCACCTGGTCTGTGCTGTAACATGTGGCGTCAGAGCGGTGC-3'
Protein context (NP_078865.1, residues 68-88): TDQVKGVLTL[Gln78His]GDALSQADVN

ClinVar aggregate classification (germline): Uncertain significance (1 of 4 stars; one submission).

Conditions:
Amelocerebrohypohidrotic syndrome (KTZS). Also called: Kohlschutter's syndrome; EPILEPSY AND YELLOW TEETH; EPILEPSY, DEMENTIA, AND AMELOGENESIS IMPERFECTA; KOHLSCHUTTER SYNDROME. Identifiers: Orphanet 1946, MedGen C0406740, MONDO:0009185, OMIM 226750.

gnomAD v4.1: 1 of 1,609,042 alleles (0.000062%); highest among the groups gnomAD compares: Non-Finnish European, 0.000085%; no homozygotes.

Submission:

Labcorp Genetics (formerly Invitae), Labcorp
Classification: Uncertain significance for Amelocerebrohypohidrotic syndrome. Last evaluated: 2021-08-05. Review status: criteria provided, single submitter. Criteria: Invitae Variant Classification Sherloc (09022015). Collection method: clinical testing. Allele origin: germline.
Comment: This sequence change replaces glutamine with histidine at codon 78 of the ROGDI protein (p.Gln78His). The glutamine residue is highly conserved and there is a small physicochemical difference between glutamine and histidine. In summary, the available evidence is currently insufficient to determine the role of this variant in disease. Therefore, it has been classified as a Variant of Uncertain Significance. Algorithms developed to predict the effect of missense changes on protein structure and function are either unavailable or do not agree on the potential impact of this missense change (SIFT: "Tolerated"; PolyPhen-2: "Possibly Damaging"; Align-GVGD: "Class C0"). This variant has not been reported in the literature in individuals affected with ROGDI-related conditions. This variant is not present in population databases (ExAC no frequency).